The following is an entry in ClinVar:

ClinVar aggregate classification (germline): Uncertain significance. Review status: criteria provided, multiple submitters, no conflicts (2 of 4 stars). 4 submissions from 3 submitters: Uncertain significance (2). 2 of the submissions do not count toward it. Last evaluated 2021-12-25.

Conditions:
Charcot-Marie-Tooth disease. Also called: Charcot-Marie-Tooth Neuropathy; Charcot-Marie-Tooth Hereditary Neuropathy. Identifiers: Orphanet 166, MedGen C0007959, MONDO:0015626.
Charcot-Marie-Tooth disease, type I (CMT1). Also called: Charcot-Marie-Tooth, Type 1; Charcot-Marie-Tooth disease type 1. Identifiers: Orphanet 65753, MedGen C0751036, MONDO:0019011.
Charcot-Marie-Tooth disease type 4. Also called: Charcot-Marie-Tooth, Type 4; Charcot-Marie-Tooth disease, type IV. Identifiers: Orphanet 64749, MedGen C4082197, MONDO:0018995.

Allele frequency attached by ClinVar (database versions not stated): ExAC below 0.00001; TOPMed 0.00002; gnomAD 0.00003; gnomAD exomes 0.00006; 1000 Genomes Project 30x 0.00031; 1000 Genomes Project 0.00040.
gnomAD v4.1: 33 of 1,544,334 alleles (0.0021%); highest among the groups gnomAD compares: East Asian, 0.026%; no homozygotes.

Submissions (4):

Labcorp Genetics (formerly Invitae), Labcorp
Classification: Uncertain significance for Charcot-Marie-Tooth disease type 4. Last evaluated: 2021-12-25. Review status: criteria provided, single submitter. Criteria: Invitae Variant Classification Sherloc (09022015). Collection method: clinical testing. Allele origin: germline.
Comment: Algorithms developed to predict the effect of missense changes on protein structure and function are either unavailable or do not agree on the potential impact of this missense change (SIFT: "Deleterious"; PolyPhen-2: "Possibly Damaging"; Align-GVGD: "Class C0"). In summary, the available evidence is currently insufficient to determine the role of this variant in disease. Therefore, it has been classified as a Variant of Uncertain Significance. ClinVar contains an entry for this variant (Variation ID: 246038). This variant has not been reported in the literature in individuals affected with PRX-related conditions. This variant is present in population databases (rs528907584, gnomAD 0.05%). This sequence change replaces proline, which is neutral and non-polar, with leucine, which is neutral and non-polar, at codon 239 of the PRX protein (p.Pro239Leu).

GeneDx
Classification: Uncertain significance. Last evaluated: 2015-11-03. Review status: criteria provided, single submitter. Criteria: GeneDx Variant Classification (06012015). Collection method: clinical testing. Allele origin: germline. Affected: yes.
Comment: The P239L variant has not been published as a pathogenic variant, nor has it been reported as a benign variant to our knowledge. It was not observed with any significant frequency in the 1000 Genomes Project, and it was not observed in approximately 5,500 individuals of European and African American ancestry in the NHLBI Exome Sequencing Project, indicating it is not a common benign variant in these populations. The P239L variant is a semi-conservative amino acid substitution, which may impact secondary protein structure as these residues differ in some properties. This substitution occurs at a position that is conserved in mammals; however, Leucine is observed at this position in more distantly related species. In silico analysis is inconsistent in its predictions as to whether or not the variant is damaging to the protein structure/function. Therefore, based on the currently available information, it is unclear whether this variant is a pathogenic variant or a rare benign variant.

Genesis Genome Database
Classification: Uncertain significance for Charcot-Marie-Tooth disease, type I. Last evaluated: 2019-08-14. Review status: no assertion criteria provided. Collection method: research. Allele origin: germline. Affected: yes. Not counted in ClinVar's aggregate classification.

Genesis Genome Database
Classification: Uncertain significance for Charcot-Marie-Tooth disease. Last evaluated: 2019-08-14. Review status: no assertion criteria provided. Collection method: research. Allele origin: germline. Affected: yes. Not counted in ClinVar's aggregate classification.

NM_181882.3(PRX):c.716C>T (p.Pro239Leu)

Gene: PRX (periaxin; minus strand). Cytogenetic location: 19q13.2.
Variant type: single nucleotide variant.
Coding change: c.716C>T on transcript NM_181882.3 (MANE Select); coding-DNA position 716, C replaced by T.
Protein change: p.Pro239Leu; replaces proline 239 with leucine.
Molecular consequence: missense variant. On other transcripts: 3 prime UTR variant (1).
Genome position (GRCh38, 1-based): chr19:40,397,636, G>A on the plus strand (C>T on the coding strand, the complement: PRX is on the minus strand). VCF-style: chr19-40397636-G-A. GRCh37 (hg19) VCF-style: chr19-40903543-G-A.
Other names: c.*921C>T (NM_020956.2); short protein forms P239L.
Identifiers: ClinVar variation 246038 (VCV000246038.8), dbSNP rs528907584, ClinGen allele CA9444394.